The following is an entry in ClinVar:

NM_014425.5(INVS):c.1061A>C (p.Asp354Ala)

Gene: INVS (inversin; plus strand). Cytogenetic location: 9q31.1.
Variant type: single nucleotide variant.
Coding change: c.1061A>C on transcript NM_014425.5 (MANE Select); coding-DNA position 1061, A replaced by C.
Protein change: p.Asp354Ala; replaces aspartic acid 354 with alanine.
Molecular consequence: missense variant. On other transcripts: non-coding transcript variant (1).
Genome position (GRCh38, 1-based): chr9:100,246,770, A>C. VCF-style: chr9-100246770-A-C. GRCh37 (hg19) VCF-style: chr9-103009052-A-C.
Other names: c.773A>C, p.Asp258Ala (NM_001318381.2); c.83A>C, p.Asp28Ala (NM_001318382.2); short protein forms D28A, D354A, D258A.
Identifiers: ClinVar variation 4984452 (VCV004984452.1).

ClinVar aggregate classification (germline): Uncertain significance (1 of 4 stars; one submission).

Conditions:
INVS-related disorder. Also called: INVS-related condition.

gnomAD v4.1: 2 of 1,614,104 alleles (0.00012%); highest among the groups gnomAD compares: Non-Finnish European, 0.00017%; no homozygotes.

Submission:

PreventionGenetics, part of Exact Sciences
Classification: Uncertain significance for INVS-related condition. Last evaluated: 2025-05-21. Review status: criteria provided, single submitter. Criteria: ACMG Guidelines, 2015. Collection method: clinical testing. Allele origin: germline.
Comment: The INVS c.1061A>C variant is predicted to result in the amino acid substitution p.Asp354Ala. To our knowledge, this variant has not been reported in the literature or in a large population database (gnomAD), indicating this variant is rare. At this time, the clinical significance of this variant is uncertain due to the absence of conclusive functional and genetic evidence.